The following is an entry in ClinVar:

NM_001114753.3(ENG):c.1088dup (p.Cys363fs)

Gene: ENG (endoglin; minus strand). Cytogenetic location: 9q34.11.
Variant type: Duplication.
Coding change: c.1088dup on transcript NM_001114753.3 (MANE Select); coding-DNA position 1088, one base duplicated (G; older notation c.1088dupG).
Protein change: p.Cys363fs; shifts the reading frame from cysteine 363.
Molecular consequence: frameshift variant.
Genome position (GRCh38, 1-based): chr9:127,824,350, C duplicated on the plus strand (G on the coding strand, the reverse complement: ENG is on the minus strand). VCF-style (leftmost placement, unchanged base first): chr9-127824349-A-AC. GRCh37 (hg19) VCF-style: chr9-130586628-A-AC.
Other names: c.1088dup, p.Cys363Trpfs (NM_000118.4, NM_001406715.1); c.542dup, p.Cys181fs (NM_001278138.2); short protein forms C181fs, C363fs.
Identifiers: ClinVar variation 1788228 (VCV001788228.2), dbSNP rs2539070936, ClinGen allele CA2580079622.
Genomic context (GRCh38, chr9:127,824,349, plus strand): 5'-CAGGAGTTCCCTTACCGCAACAAGCTCTTTCTTTAGTACCAGGGTCATGGCGTCGTCGGC[A>AC]CACTTTGTCTGGATCAAGGACATGAGCAGCTCCGGGCTACAAGTGTCCTTGGGAGGAGTG-3'

ClinVar aggregate classification (germline): Pathogenic (1 of 4 stars; one submission).

Conditions:
Cardiovascular phenotype. Identifiers: MedGen CN230736.

Submission:

Ambry Genetics
Classification: Pathogenic for Cardiovascular phenotype. Last evaluated: 2016-09-15. Review status: criteria provided, single submitter. Criteria: Ambry Variant Classification Scheme 2023. Collection method: clinical testing. Allele origin: germline.
Comment: The c.1088dupG pathogenic mutation, located in coding exon 8 of the ENG gene, results from a duplication of G at nucleotide position 1088, causing a translational frameshift with a predicted alternate stop codon (p.C363Wfs*33). This alteration is expected to result in loss of function by premature protein truncation or nonsense-mediated mRNA decay. As such, this alteration is interpreted as a disease-causing mutation.